The following is an entry in ClinVar:

NM_170606.3(KMT2C):c.11347A>G (p.Asn3783Asp)

Gene: KMT2C (lysine methyltransferase 2C; minus strand). Cytogenetic location: 7q36.1.
Variant type: single nucleotide variant.
Coding change: c.11347A>G on transcript NM_170606.3 (MANE Select); coding-DNA position 11347, A replaced by G.
Protein change: p.Asn3783Asp; replaces asparagine 3783 with aspartic acid.
Molecular consequence: missense variant.
Genome position (GRCh38, 1-based): chr7:152,162,230, T>C on the plus strand (A>G on the coding strand, the complement: KMT2C is on the minus strand). VCF-style: chr7-152162230-T-C. GRCh37 (hg19) VCF-style: chr7-151859315-T-C.
Other names: short protein forms N3783D.
Identifiers: ClinVar variation 2430330 (VCV002430330.2), dbSNP rs2487684486, ClinGen allele CA370100895.

ClinVar aggregate classification (germline): Uncertain significance (1 of 4 stars; one submission).

Allele frequency attached by ClinVar (database versions not stated): gnomAD exomes below 0.00001.
gnomAD v4.1: 1 of 1,614,160 alleles (0.000062%); highest among the groups gnomAD compares: Non-Finnish European, 0.000085%; no homozygotes.

Submission:

Centre of Medical Genetics, University Hospital Muenster
Classification: Uncertain significance. Last evaluated: 2022-12-01. Review status: criteria provided, single submitter. Criteria: ACMG Guidelines, 2015. Collection method: clinical testing. Allele origin: unknown. Affected: yes. Observed: 1 variant allele, 1 heterozygote.
Comment: ACMG categories: PM2,BP1